The following is an entry in ClinVar:

NM_078470.6(COX15):c.366A>G (p.Gln122=)

Gene: COX15 (cytochrome c oxidase assembly factor COX15; minus strand). Cytogenetic location: 10q24.2.
Variant type: single nucleotide variant.
Coding change: c.366A>G on transcript NM_078470.6 (MANE Select); coding-DNA position 366, A replaced by G.
Protein change: p.Gln122=; no amino-acid change (glutamine 122 retained).
Molecular consequence: synonymous variant. On other transcripts: 5 prime UTR variant (1), non-coding transcript variant (1).
Genome position (GRCh38, 1-based): chr10:99,727,470, T>C on the plus strand (A>G on the coding strand, the complement: COX15 is on the minus strand). VCF-style: chr10-99727470-T-C. GRCh37 (hg19) VCF-style: chr10-101487227-T-C.
Other names: c.366A>G, p.Gln122= (NM_001320974.2, NM_001320975.2, NM_001372024.1 and 5 more transcripts); c.-89A>G (NM_001320976.2).
Identifiers: ClinVar variation 2640749 (VCV002640749.27), dbSNP rs572176730, ClinGen allele CA5642294.

ClinVar aggregate classification (germline): Likely benign. Review status: criteria provided, multiple submitters, no conflicts (2 of 4 stars). 2 submissions from 2 submitters: Likely benign (2). Last evaluated 2025-02-03.

Allele frequency attached by ClinVar (database versions not stated): gnomAD 0.00001; ExAC 0.00002; 1000 Genomes Project 30x 0.00016; 1000 Genomes Project 0.00020.
gnomAD v4.1: 2 of 1,613,912 alleles (0.00012%); highest among the groups gnomAD compares: East Asian, 0.0045%; no homozygotes.

Submissions (2):

Labcorp Genetics (formerly Invitae), Labcorp
Classification: Likely benign. Last evaluated: 2025-02-03. Review status: criteria provided, single submitter. Criteria: Invitae Variant Classification Sherloc (09022015). Collection method: clinical testing. Allele origin: germline.

CeGaT Center for Human Genetics Tuebingen
Classification: Likely benign. Last evaluated: 2022-03-01. Review status: criteria provided, single submitter. Criteria: CeGaT Center For Human Genetics Tuebingen Variant Classification Criteria Version 2. Collection method: clinical testing. Allele origin: germline. Affected: yes. Observed: 1 variant allele.
Comment: COX15: BP4, BP7